The following is an entry in ClinVar:

NM_000179.3(MSH6):c.1561A>C (p.Thr521Pro)

Gene: MSH6 (mutS homolog 6; plus strand). Cytogenetic location: 2p16.3.
Variant type: single nucleotide variant.
Coding change: c.1561A>C on transcript NM_000179.3 (MANE Select); coding-DNA position 1561, A replaced by C.
Protein change: p.Thr521Pro; replaces threonine 521 with proline.
Molecular consequence: missense variant.
Genome position (GRCh38, 1-based): chr2:47,799,544, A>C. VCF-style: chr2-47799544-A-C. GRCh37 (hg19) VCF-style: chr2-48026683-A-C.
Other names: c.1171A>C, p.Thr391Pro (NM_001281492.2); c.655A>C, p.Thr219Pro (NM_001281493.2, NM_001281494.2); short protein forms T521P, T219P, T391P.
Identifiers: ClinVar variation 572760 (VCV000572760.16), dbSNP rs587779916, ClinGen allele CA346746725.

ClinVar aggregate classification (germline): Uncertain significance. Review status: criteria provided, multiple submitters, no conflicts (2 of 4 stars). 4 submissions from 4 submitters: Uncertain significance (4). Last evaluated 2026-08-24.

Conditions:
Lynch syndrome. Identifiers: Orphanet 144, MedGen C4552100, MONDO:0005835. Disease mechanism: loss of function.
Hereditary nonpolyposis colorectal neoplasms. Identifiers: MedGen C0009405, MeSH D003123.
Hereditary cancer-predisposing syndrome. Also called: Neoplastic Syndromes, Hereditary; Hereditary Cancer Syndrome; Hereditary neoplastic syndrome; Tumor predisposition. Identifiers: Orphanet 140162, MedGen C0027672, MeSH D009386, MONDO:0015356.

Submissions (4):

Ambry Genetics
Classification: Uncertain significance for Hereditary cancer-predisposing syndrome. Last evaluated: 2026-08-24. Review status: criteria provided, single submitter. Criteria: Ambry Variant Classification Scheme 2023. Collection method: clinical testing. Allele origin: germline.
Comment: The p.T521P variant (also known as c.1561A>C), located in coding exon 4 of the MSH6 gene, results from an A to C substitution at nucleotide position 1561. The threonine at codon 521 is replaced by proline, an amino acid with highly similar properties. This amino acid position is highly conserved in available vertebrate species. In addition, this alteration is predicted to be deleterious by in silico analysis. Based on the available evidence, the clinical significance of this variant remains unclear.

Labcorp Genetics (formerly Invitae), Labcorp
Classification: Uncertain significance for Hereditary nonpolyposis colorectal neoplasms. Last evaluated: 2025-11-24. Review status: criteria provided, single submitter. Criteria: Invitae Variant Classification Sherloc (09022015). Collection method: clinical testing. Allele origin: germline.
Comment: This sequence change replaces threonine, which is neutral and polar, with proline, which is neutral and non-polar, at codon 521 of the MSH6 protein (p.Thr521Pro). This variant is not present in population databases (gnomAD no frequency). This variant has not been reported in the literature in individuals affected with MSH6-related conditions. ClinVar contains an entry for this variant (Variation ID: 572760). Invitae Evidence Modeling of protein sequence and biophysical properties (such as structural, functional, and spatial information, amino acid conservation, physicochemical variation, residue mobility, and thermodynamic stability) indicates that this missense variant is expected to disrupt MSH6 protein function with a positive predictive value of 95%. In summary, the available evidence is currently insufficient to determine the role of this variant in disease. Therefore, it has been classified as a Variant of Uncertain Significance.

All of Us Research Program, National Institutes of Health
Classification: Uncertain significance for Lynch syndrome. Last evaluated: 2024-03-05. Review status: criteria provided, single submitter. Criteria: ACMG Guidelines, 2015. Collection method: clinical testing. Allele origin: germline. Inheritance: Autosomal dominant inheritance. Observed: 1 variant allele, 1 heterozygote.
Comment: This study involves interpretation of variants in research participants for the purpose of population health screening. Participant phenotype was not available at the time of variant classification. Additional details can be found in publication PMID: 35346344, PMCID: PMC8962531

Women's Health and Genetics/Laboratory Corporation of America, LabCorp
Classification: Uncertain significance. Last evaluated: 2018-12-18. Review status: criteria provided, single submitter. Criteria: LabCorp Variant Classification Summary - May 2015. Collection method: clinical testing. Allele origin: germline.
Comment: Variant summary: The variant, MSH6 c.1561A>C (p.Thr521Pro) results in a non-conservative amino acid change located in the DNA mismatch repair protein MutS-like, N-terminal domain. Five of five in-silico tools predict a damaging effect of the variant on protein function. The variant was absent in 246,044 control chromosomes (gnomAD). The available data on variant occurrences in the general population are insufficient to allow any conclusion about variant significance. To our knowledge, no occurrence of c.1561A>C in individuals affected with Lynch Syndrome and no experimental evidence demonstrating its impact on protein function have been reported. A ClinVar submission from a clinical diagnostic laboratory (evaluation after 2014) cites the variant as uncertain significance. Based on the evidence outlined above, the variant was classified as uncertain significance.